The following is an entry in ClinVar:

ClinVar aggregate classification (germline): Conflicting classifications of pathogenicity. Review status: criteria provided, conflicting classifications (1 of 4 stars). 2 submissions from 2 submitters: Uncertain significance (1); Likely benign (1). Last evaluated 2026-09-04.

Conditions:
Renal cell carcinoma. Identifiers: Orphanet 217071, MedGen C0007134, MeSH D002292, MONDO:0005086, HP:0005584.
Hereditary cancer-predisposing syndrome. Also called: Tumor predisposition; Hereditary Cancer Syndrome; Hereditary neoplastic syndrome; Neoplastic Syndromes, Hereditary. Identifiers: Orphanet 140162, MedGen C0027672, MeSH D009386, MONDO:0015356.

Submissions (2):

Ambry Genetics
Classification: Likely benign for Hereditary cancer-predisposing syndrome. Last evaluated: 2026-09-04. Review status: criteria provided, single submitter. Criteria: Ambry Variant Classification Scheme 2023. Collection method: clinical testing. Allele origin: germline.

Labcorp Genetics (formerly Invitae), Labcorp
Classification: Uncertain significance for Renal cell carcinoma. Last evaluated: 2024-12-18. Review status: criteria provided, single submitter. Criteria: Invitae Variant Classification Sherloc (09022015). Collection method: clinical testing. Allele origin: germline.
Comment: This sequence change replaces asparagine, which is neutral and polar, with lysine, which is basic and polar, at codon 1118 of the MET protein (p.Asn1118Lys). This variant is not present in population databases (gnomAD no frequency). This variant has not been reported in the literature in individuals affected with MET-related conditions. Invitae Evidence Modeling of protein sequence and biophysical properties (such as structural, functional, and spatial information, amino acid conservation, physicochemical variation, residue mobility, and thermodynamic stability) indicates that this missense variant is not expected to disrupt MET protein function with a negative predictive value of 80%. In summary, the available evidence is currently insufficient to determine the role of this variant in disease. Therefore, it has been classified as a Variant of Uncertain Significance.

NM_000245.4(MET):c.3300T>G (p.Asn1100Lys)

Gene: MET (MET proto-oncogene, receptor tyrosine kinase; plus strand). Cytogenetic location: 7q31.2.
Variant type: single nucleotide variant.
Coding change: c.3300T>G on transcript NM_000245.4 (MANE Select); coding-DNA position 3300, T replaced by G.
Protein change: p.Asn1100Lys; replaces asparagine 1100 with lysine.
Molecular consequence: missense variant.
Genome position (GRCh38, 1-based): chr7:116,777,429, T>G. VCF-style: chr7-116777429-T-G. GRCh37 (hg19) VCF-style: chr7-116417483-T-G.
Other names: c.3354T>G, p.Asn1118Lys (NM_001127500.3); c.2010T>G, p.Asn670Lys (NM_001324402.2); short protein forms N1118K, N670K, N1100K.
Identifiers: ClinVar variation 3395098 (VCV003395098.4).